The following is an entry in ClinVar:

NM_004380.3(CREBBP):c.3910T>C (p.Ser1304Pro)

Gene: CREBBP (CREB binding lysine acetyltransferase; minus strand). Cytogenetic location: 16p13.3.
Variant type: single nucleotide variant.
Coding change: c.3910T>C on transcript NM_004380.3 (MANE Select); coding-DNA position 3910, T replaced by C.
Protein change: p.Ser1304Pro; replaces serine 1304 with proline.
Molecular consequence: missense variant.
Genome position (GRCh38, 1-based): chr16:3,745,281, A>G on the plus strand (T>C on the coding strand, the complement: CREBBP is on the minus strand). VCF-style: chr16-3745281-A-G. GRCh37 (hg19) VCF-style: chr16-3795282-A-G.
Other names: c.3796T>C, p.Ser1266Pro (NM_001079846.1); short protein forms S1304P, S1266P.
Identifiers: ClinVar variation 4831991 (VCV004831991.2).

ClinVar aggregate classification (germline): Uncertain significance. Review status: criteria provided, multiple submitters, no conflicts (2 of 4 stars). 2 submissions from 2 submitters: Uncertain significance (2). Last evaluated 2026-02-17.

Conditions:
CREBBP-related disorder. Also called: CREBBP-related condition; CREBBP-related disorders.
Inborn genetic diseases. Identifiers: MedGen C0950123, MeSH D030342.

gnomAD v4.1: 1 of 1,613,748 alleles (0.000062%); no homozygotes.

Submissions (2):

Ambry Genetics
Classification: Uncertain significance for Inborn genetic diseases. Last evaluated: 2026-02-17. Review status: criteria provided, single submitter. Criteria: Ambry Variant Classification Scheme 2023. Collection method: clinical testing. Allele origin: germline.

PreventionGenetics, part of Exact Sciences
Classification: Uncertain significance for CREBBP-related condition. Last evaluated: 2025-03-20. Review status: criteria provided, single submitter. Criteria: ACMG Guidelines, 2015. Collection method: clinical testing. Allele origin: germline.
Comment: The CREBBP c.3910T>C variant is predicted to result in the amino acid substitution p.Ser1304Pro. To our knowledge, this variant has not been reported in the literature or in a large population database (gnomAD), indicating this variant is rare. At this time, the clinical significance of this variant is uncertain due to the absence of conclusive functional and genetic evidence.